The following is an entry in ClinVar:

ClinVar aggregate classification (germline): Likely benign. Review status: criteria provided, multiple submitters, no conflicts (2 of 4 stars). 2 submissions from 2 submitters: Likely benign (2). Last evaluated 2026-06-01.

Allele frequency attached by ClinVar (database versions not stated): TOPMed 0.00002; gnomAD exomes 0.00004 and 0.00005; ExAC 0.00005; gnomAD 0.00005; ESP Exome Variant Server 0.00008.
gnomAD v4.1: 74 of 1,613,952 alleles (0.0046%); highest among the groups gnomAD compares: Admixed American, 0.017%; no homozygotes.

Submissions (2):

CeGaT Center for Human Genetics Tuebingen
Classification: Likely benign. Last evaluated: 2026-06-01. Review status: criteria provided, single submitter. Criteria: CeGaT Center For Human Genetics Tuebingen Variant Classification Criteria Version 2. Collection method: clinical testing. Allele origin: germline. Affected: yes. Observed: 2 variant alleles.
Comment: SLC1A2: BP4, BP7

Labcorp Genetics (formerly Invitae), Labcorp
Classification: Likely benign. Last evaluated: 2024-02-06. Review status: criteria provided, single submitter. Criteria: Invitae Variant Classification Sherloc (09022015). Collection method: clinical testing. Allele origin: germline.

NM_004171.4(SLC1A2):c.669G>A (p.Pro223=)

Gene: SLC1A2 (solute carrier family 1 member 2; minus strand). Cytogenetic location: 11p13.
Variant type: single nucleotide variant.
Coding change: c.669G>A on transcript NM_004171.4 (MANE Select); coding-DNA position 669, G replaced by A.
Protein change: p.Pro223=; no amino-acid change (proline 223 retained).
Molecular consequence: synonymous variant.
Genome position (GRCh38, 1-based): chr11:35,306,135, C>T on the plus strand (G>A on the coding strand, the complement: SLC1A2 is on the minus strand). VCF-style: chr11-35306135-C-T. GRCh37 (hg19) VCF-style: chr11-35327682-C-T.
Other names: c.642G>A, p.Pro214= (NM_001195728.3, NM_001252652.2).
Identifiers: ClinVar variation 1627634 (VCV001627634.32), dbSNP rs372812420, ClinGen allele CA5947254.